The following is an entry in ClinVar:

NM_000245.4(MET):c.3943G>A (p.Val1315Ile)

Gene: MET (MET proto-oncogene, receptor tyrosine kinase; plus strand). Cytogenetic location: 7q31.2.
Variant type: single nucleotide variant.
Coding change: c.3943G>A on transcript NM_000245.4 (MANE Select); coding-DNA position 3943, G replaced by A.
Protein change: p.Val1315Ile; replaces valine 1315 with isoleucine.
Molecular consequence: missense variant.
Genome position (GRCh38, 1-based): chr7:116,795,894, G>A. VCF-style: chr7-116795894-G-A. GRCh37 (hg19) VCF-style: chr7-116435948-G-A.
Other names: c.3997G>A, p.Val1333Ile (NM_001127500.3); c.2653G>A, p.Val885Ile (NM_001324402.2); short protein forms V1315I, V885I, V1333I.
Identifiers: ClinVar variation 2169645 (VCV002169645.6), dbSNP rs2117110480, ClinGen allele CA369118056.

ClinVar aggregate classification (germline): Uncertain significance. Review status: criteria provided, multiple submitters, no conflicts (2 of 4 stars). 3 submissions from 3 submitters: Uncertain significance (3). Last evaluated 2025-06-06.

Conditions:
Renal cell carcinoma. Identifiers: Orphanet 217071, MedGen C0007134, MeSH D002292, MONDO:0005086, HP:0005584.
Autosomal recessive nonsyndromic hearing loss 97. Also called: Deafness, autosomal recessive 97. Identifiers: Orphanet 90636, MedGen C4084709, MONDO:0014739, OMIM 616705.
Hereditary cancer-predisposing syndrome. Also called: Hereditary neoplastic syndrome; Neoplastic Syndromes, Hereditary; Hereditary Cancer Syndrome; Tumor predisposition. Identifiers: Orphanet 140162, MedGen C0027672, MeSH D009386, MONDO:0015356.

Submissions (3):

Labcorp Genetics (formerly Invitae), Labcorp
Classification: Uncertain significance for Renal cell carcinoma. Last evaluated: 2025-06-06. Review status: criteria provided, single submitter. Criteria: Invitae Variant Classification Sherloc (09022015). Collection method: clinical testing. Allele origin: germline.
Comment: This sequence change replaces valine, which is neutral and non-polar, with isoleucine, which is neutral and non-polar, at codon 1333 of the MET protein (p.Val1333Ile). This variant is not present in population databases (gnomAD no frequency). This variant has not been reported in the literature in individuals affected with MET-related conditions. ClinVar contains an entry for this variant (Variation ID: 2169645). Invitae Evidence Modeling of protein sequence and biophysical properties (such as structural, functional, and spatial information, amino acid conservation, physicochemical variation, residue mobility, and thermodynamic stability) indicates that this missense variant is not expected to disrupt MET protein function with a negative predictive value of 80%. In summary, the available evidence is currently insufficient to determine the role of this variant in disease. Therefore, it has been classified as a Variant of Uncertain Significance.

Ambry Genetics
Classification: Uncertain significance for Hereditary cancer-predisposing syndrome. Last evaluated: 2024-10-14. Review status: criteria provided, single submitter. Criteria: Ambry Variant Classification Scheme 2023. Collection method: clinical testing. Allele origin: germline.
Comment: The p.V1333I variant (also known as c.3997G>A), located in coding exon 20 of the MET gene, results from a G to A substitution at nucleotide position 3997. The valine at codon 1333 is replaced by isoleucine, an amino acid with highly similar properties. This amino acid position is highly conserved in available vertebrate species. In addition, this alteration is predicted to be tolerated by in silico analysis. Based on the available evidence, the clinical significance of this variant remains unclear.

Baylor Genetics
Classification: Uncertain significance for Autosomal recessive nonsyndromic hearing loss 97. Last evaluated: 2024-02-05. Review status: criteria provided, single submitter. Criteria: ACMG Guidelines, 2015. Collection method: clinical testing. Allele origin: unknown.